The following is an entry in ClinVar:

ClinVar aggregate classification (germline): Benign/Likely benign. Review status: criteria provided, multiple submitters, no conflicts (2 of 4 stars). 3 submissions from 3 submitters: Benign (1); Likely benign (2). Last evaluated 2025-10-27.

Conditions:
Papillary renal cell carcinoma type 1 (RCCP1). Also called: RENAL CELL CARCINOMA, PAPILLARY, 1, SOMATIC; Renal adenocarcinoma; Renal cell carcinoma 1; Renal cell carcinoma, somatic. Identifiers: Orphanet 47044, MedGen C1336839, OMIM 605074, HP:0011797.
Renal cell carcinoma. Identifiers: Orphanet 217071, MedGen C0007134, MeSH D002292, MONDO:0005086, HP:0005584.
Hereditary cancer-predisposing syndrome. Also called: Neoplastic Syndromes, Hereditary; Tumor predisposition; Hereditary neoplastic syndrome; Hereditary Cancer Syndrome. Identifiers: Orphanet 140162, MedGen C0027672, MeSH D009386, MONDO:0015356.

Allele frequency attached by ClinVar (database versions not stated): gnomAD exomes below 0.00001.
gnomAD v4.1: 1 of 1,614,074 alleles (0.000062%); highest among the groups gnomAD compares: Non-Finnish European, 0.000085%; no homozygotes.

Submissions (3):

Labcorp Genetics (formerly Invitae), Labcorp
Classification: Likely benign for Renal cell carcinoma. Last evaluated: 2025-10-27. Review status: criteria provided, single submitter. Criteria: Invitae Variant Classification Sherloc (09022015). Collection method: clinical testing. Allele origin: germline.

Ambry Genetics
Classification: Likely benign for Hereditary cancer-predisposing syndrome. Last evaluated: 2025-09-17. Review status: criteria provided, single submitter. Criteria: Ambry Variant Classification Scheme 2023. Collection method: clinical testing. Allele origin: germline.

Myriad Genetics, Inc.
Classification: Benign for Papillary renal cell carcinoma type 1. Last evaluated: 2024-11-06. Review status: criteria provided, single submitter. Criteria: Myriad Autosomal Dominant, Autosomal Recessive and X-Linked Classification Criteria (2023). Collection method: clinical testing. Allele origin: unknown.
Comment: This variant is considered benign. This variant is a silent/synonymous amino acid change and it is not expected to impact splicing.

NM_000245.4(MET):c.861A>G (p.Gly287=)

Gene: MET (MET proto-oncogene, receptor tyrosine kinase; plus strand). Cytogenetic location: 7q31.2.
Variant type: single nucleotide variant.
Coding change: c.861A>G on transcript NM_000245.4 (MANE Select); coding-DNA position 861, A replaced by G.
Protein change: p.Gly287=; no amino-acid change (glycine 287 retained).
Molecular consequence: synonymous variant. On other transcripts: intron variant (1).
Genome position (GRCh38, 1-based): chr7:116,699,945, A>G. VCF-style: chr7-116699945-A-G. GRCh37 (hg19) VCF-style: chr7-116339999-A-G.
Other names: c.861A>G, p.Gly287= (NM_001127500.3, NM_001324401.3); c.-91+27368A>G (NM_001324402.2).
Identifiers: ClinVar variation 3013357 (VCV003013357.5), dbSNP rs2116599749, ClinGen allele CA457448074.